The following is an entry in ClinVar:

NM_004006.3(DMD):c.6584T>C (p.Val2195Ala)

Gene: DMD (dystrophin; minus strand). Cytogenetic location: Xp21.1.
Variant type: single nucleotide variant.
Coding change: c.6584T>C on transcript NM_004006.3 (MANE Select); coding-DNA position 6584, T replaced by C.
Protein change: p.Val2195Ala; replaces valine 2195 with alanine.
Molecular consequence: missense variant. On other transcripts: 5 prime UTR variant (5).
Genome position (GRCh38, 1-based): chrX:31,968,369, A>G on the plus strand (T>C on the coding strand, the complement: DMD is on the minus strand). VCF-style: chrX-31968369-A-G. GRCh37 (hg19) VCF-style: chrX-31986486-A-G.
Other names: c.6560T>C, p.Val2187Ala (NM_000109.4); c.6572T>C, p.Val2191Ala (NM_004009.3); c.6215T>C, p.Val2072Ala (NM_004010.3); c.2561T>C, p.Val854Ala (NM_004011.4); c.2552T>C, p.Val851Ala (NM_004012.4); c.-797T>C (NM_004013.3, NM_004020.4, NM_004021.3 and 2 more transcripts); short protein forms V2072A, V2187A, V2191A, V2195A, V851A, V854A.
Identifiers: ClinVar variation 4085390 (VCV004085390.8).

ClinVar aggregate classification (germline): Uncertain significance (1 of 4 stars; one submission).

gnomAD v4.1: 2 of 1,207,990 alleles (0.00017%); highest among the groups gnomAD compares: Middle Eastern, 0.023%; no homozygotes.

Submission:

CeGaT Center for Human Genetics Tuebingen
Classification: Uncertain significance. Last evaluated: 2025-07-01. Review status: criteria provided, single submitter. Criteria: CeGaT Center For Human Genetics Tuebingen Variant Classification Criteria Version 2. Collection method: clinical testing. Allele origin: germline. Affected: yes. Observed: 1 variant allele.
Comment: DMD: PM2, BP4